The following is an entry in ClinVar:

NM_002772.3(TMPRSS15):c.2200G>A (p.Asp734Asn)

Gene: TMPRSS15 (transmembrane serine protease 15; minus strand). Cytogenetic location: 21q21.1.
Variant type: single nucleotide variant.
Coding change: c.2200G>A on transcript NM_002772.3 (MANE Select); coding-DNA position 2200, G replaced by A.
Protein change: p.Asp734Asn; replaces aspartic acid 734 with asparagine.
Molecular consequence: missense variant.
Genome position (GRCh38, 1-based): chr21:18,297,795, C>T on the plus strand (G>A on the coding strand, the complement: TMPRSS15 is on the minus strand). VCF-style: chr21-18297795-C-T. GRCh37 (hg19) VCF-style: chr21-19670112-C-T.
Other names: c.2335G>A, p.Asp779Asn (NM_001428056.1); c.2200G>A, p.Asp734Asn (NM_001428057.1); c.2200G>A (NM_002772.2); short protein forms D734N, D779N.
Identifiers: ClinVar variation 3677051 (VCV003677051.3).

ClinVar aggregate classification (germline): Conflicting classifications of pathogenicity. Review status: criteria provided, conflicting classifications (1 of 4 stars). 2 submissions from 2 submitters: Uncertain significance (1); Likely benign (1). Last evaluated 2025-02-02.

gnomAD v4.1: 18 of 1,613,478 alleles (0.0011%); highest among the groups gnomAD compares: East Asian, 0.0045%; no homozygotes.

Submissions (2):

Ambry Genetics
Classification: Likely benign. Last evaluated: 2025-02-02. Review status: criteria provided, single submitter. Criteria: Ambry Variant Classification Scheme 2023. Collection method: clinical testing. Allele origin: germline.

Labcorp Genetics (formerly Invitae), Labcorp
Classification: Uncertain significance. Last evaluated: 2024-06-11. Review status: criteria provided, single submitter. Criteria: Invitae Variant Classification Sherloc (09022015). Collection method: clinical testing. Allele origin: germline.
Comment: This sequence change replaces aspartic acid, which is acidic and polar, with asparagine, which is neutral and polar, at codon 734 of the TMPRSS15 protein (p.Asp734Asn). This variant is present in population databases (rs372882311, gnomAD 0.006%). This variant has not been reported in the literature in individuals affected with TMPRSS15-related conditions. Algorithms developed to predict the effect of missense changes on protein structure and function output the following: SIFT: "Not Available"; PolyPhen-2: "Benign"; Align-GVGD: "Not Available". The asparagine amino acid residue is found in multiple mammalian species, which suggests that this missense change does not adversely affect protein function. In summary, the available evidence is currently insufficient to determine the role of this variant in disease. Therefore, it has been classified as a Variant of Uncertain Significance.